The following is an entry in ClinVar:

ClinVar aggregate classification (germline): Conflicting classifications of pathogenicity. Review status: criteria provided, conflicting classifications (1 of 4 stars). 3 submissions from 3 submitters: Uncertain significance (1); Likely benign (2). Last evaluated 2026-01-28.

Conditions:
Intellectual developmental disorder, X-linked, syndromic, Hedera type. Also called: Syndromic X-linked intellectual disability Hedera type. Identifiers: Orphanet 93952, MedGen C1845543, MONDO:0010319, OMIM 300423.
Inborn genetic diseases. Identifiers: MedGen C0950123, MeSH D030342.

Allele frequency attached by ClinVar (database versions not stated): gnomAD exomes 0.00003 and 0.00007; gnomAD 0.00009; TOPMed 0.00015; ExAC 0.00003.

Submissions (3):

Labcorp Genetics (formerly Invitae), Labcorp
Classification: Uncertain significance for Intellectual developmental disorder, X-linked, syndromic, Hedera type. Last evaluated: 2026-01-28. Review status: criteria provided, single submitter. Criteria: Invitae Variant Classification Sherloc (09022015). Collection method: clinical testing. Allele origin: germline.
Comment: This sequence change replaces asparagine, which is neutral and polar, with histidine, which is basic and polar, at codon 308 of the ATP6AP2 protein (p.Asn308His). This variant is present in population databases (rs756836341, gnomAD 0.05%), and has an allele count higher than expected for a pathogenic variant. This variant has not been reported in the literature in individuals affected with ATP6AP2-related conditions. ClinVar contains an entry for this variant (Variation ID: 380358). Invitae Evidence Modeling of protein sequence and biophysical properties (such as structural, functional, and spatial information, amino acid conservation, physicochemical variation, residue mobility, and thermodynamic stability) has been performed for this missense variant. However, the output from this modeling did not meet the statistical confidence thresholds required to predict the impact of this variant on ATP6AP2 protein function. In summary, the available evidence is currently insufficient to determine the role of this variant in disease. Therefore, it has been classified as a Variant of Uncertain Significance.

Ambry Genetics
Classification: Likely benign for Inborn genetic diseases. Last evaluated: 2022-06-03. Review status: criteria provided, single submitter. Criteria: Ambry Variant Classification Scheme 2023. Collection method: clinical testing. Allele origin: germline.

GeneDx
Classification: Likely benign. Last evaluated: 2018-04-05. Review status: criteria provided, single submitter. Criteria: GeneDx Variant Classification Process June 2021. Collection method: clinical testing. Allele origin: germline. Affected: yes.

NM_005765.3(ATP6AP2):c.922A>C (p.Asn308His)

Gene: ATP6AP2 (ATPase H+ transporting accessory protein 2; plus strand). Cytogenetic location: Xp11.4.
Variant type: single nucleotide variant.
Coding change: c.922A>C on transcript NM_005765.3 (MANE Select); coding-DNA position 922, A replaced by C.
Protein change: p.Asn308His; replaces asparagine 308 with histidine.
Molecular consequence: missense variant.
Genome position (GRCh38, 1-based): chrX:40,605,624, A>C. VCF-style: chrX-40605624-A-C. GRCh37 (hg19) VCF-style: chrX-40464876-A-C.
Other names: short protein forms N308H.
Identifiers: ClinVar variation 380358 (VCV000380358.13), dbSNP rs756836341, ClinGen allele CA10387305.
Genomic context (GRCh38, chrX:40,605,624, plus strand): 5'-AACCCAGCAAGTCCCTATAACCTTGCATATAAGTATAATTTTGAATATTCCGTGGTTTTC[A>C]ACATGGTACTTTGGATAATGATCGCCTTGGCCTTGGCTGTGATTATCACCTCTTACAATA-3'
Protein context (NP_005756.2, residues 298-318): KYNFEYSVVF[Asn308His]MVLWIMIALA